The following is an entry in ClinVar:

NM_201384.3(PLEC):c.11720C>T (p.Thr3907Met)

Gene: PLEC (plectin; minus strand). Cytogenetic location: 8q24.3.
Variant type: single nucleotide variant.
Coding change: c.11720C>T on transcript NM_201384.3 (MANE Select); coding-DNA position 11720, C replaced by T.
Protein change: p.Thr3907Met; replaces threonine 3907 with methionine.
Molecular consequence: missense variant.
Genome position (GRCh38, 1-based): chr8:143,918,101, G>A on the plus strand (C>T on the coding strand, the complement: PLEC is on the minus strand). VCF-style: chr8-143918101-G-A. GRCh37 (hg19) VCF-style: chr8-144992269-G-A.
Other names: p.Thr3893Met; c.11801C>T, p.Thr3934Met (NM_000445.5); c.11678C>T, p.Thr3893Met (NM_201378.4); c.11654C>T, p.Thr3885Met (NM_201379.3); c.12131C>T, p.Thr4044Met (NM_201380.4); c.11624C>T, p.Thr3875Met (NM_201381.3); c.11720C>T, p.Thr3907Met (NM_201382.4); c.11732C>T, p.Thr3911Met (NM_201383.3); short protein forms T3875M, T3885M, T3893M, T3907M, T3911M, T3934M, T4044M.
Identifiers: ClinVar variation 196812 (VCV000196812.48), dbSNP rs78461695, ClinGen allele CA202605.

ClinVar aggregate classification (germline): Benign. Review status: criteria provided, multiple submitters, no conflicts (2 of 4 stars). 11 submissions from 11 submitters: Benign (8). 3 of the submissions do not count toward it. Last evaluated 2026-09-01.

Conditions:
Epidermolysis bullosa simplex 5B, with muscular dystrophy (EBS5B). Also called: Epidermolysis bullosa simplex with muscular dystrophy; EPIDERMOLYSIS BULLOSA SIMPLEX AND LIMB-GIRDLE MUSCULAR DYSTROPHY. Identifiers: Orphanet 257, MedGen C2931072, MONDO:0009181, OMIM 226670.
Epidermolysis bullosa simplex with nail dystrophy (EBS5D). Identifiers: MedGen C4225309, MONDO:0014661, OMIM 616487.
Autosomal recessive limb-girdle muscular dystrophy type 2Q (LGMDR17). Also called: MUSCULAR DYSTROPHY, LIMB-GIRDLE, AUTOSOMAL RECESSIVE 17. Identifiers: Orphanet 254361, MedGen C3150989, MONDO:0013390, OMIM 613723.
Epidermolysis bullosa simplex 5C, with pyloric atresia (EBS5C). Also called: PLEC-Related Epidermolysis Bullosa with Pyloric Atresia; PLEC1-Related Epidermolysis Bullosa with Pyloric Atresia; Epidermolysis bullosa simplex with pyloric atresia. Identifiers: Orphanet 158684, MedGen C2677349, MONDO:0012807, OMIM 612138.
Epidermolysis bullosa simplex, Ogna type (EBS5A). Also called: Pidermolysis bullosa simplex 5A, Ogna type; EPIDERMOLYSIS BULLOSA SIMPLEX 5A, OGNA TYPE. Identifiers: Orphanet 79401, MedGen C0432317, MONDO:0007555, OMIM 131950.

Allele frequency attached by ClinVar (database versions not stated): 1000 Genomes Project 0.00619; 1000 Genomes Project 30x 0.00671; ESP Exome Variant Server 0.00744; gnomAD 0.00769 and 0.00787; gnomAD exomes 0.00775 and 0.00944; TOPMed 0.00793; ExAC 0.00926.
gnomAD v4.1: 14,791 of 1,596,684 alleles (0.93%); highest among the groups gnomAD compares: Non-Finnish European, 1.1%; 75 homozygotes.

Submissions (11):

CeGaT Center for Human Genetics Tuebingen
Classification: Benign. Last evaluated: 2026-09-01. Review status: criteria provided, single submitter. Criteria: CeGaT Center For Human Genetics Tuebingen Variant Classification Criteria Version 2. Collection method: clinical testing. Allele origin: germline. Affected: yes. Observed: 37 variant alleles.
Comment: PLEC: BP4, BS1, BS2

Labcorp Genetics (formerly Invitae), Labcorp
Classification: Benign for Autosomal recessive limb-girdle muscular dystrophy type 2Q; Epidermolysis bullosa simplex, Ogna type; Epidermolysis bullosa simplex with nail dystrophy; Epidermolysis bullosa simplex 5C, with pyloric atresia; Epidermolysis bullosa simplex 5B, with muscular dystrophy. Last evaluated: 2026-02-01. Review status: criteria provided, single submitter. Criteria: Invitae Variant Classification Sherloc (09022015). Collection method: clinical testing. Allele origin: germline.

Blueprint Genetics
Classification: Benign. Last evaluated: 2024-11-27. Review status: criteria provided, single submitter. Criteria: ACMG Guidelines, 2015. Collection method: clinical testing. Allele origin: germline.

Athena Diagnostics
Classification: Benign. Last evaluated: 2018-08-29. Review status: criteria provided, single submitter. Criteria: Athena Diagnostics Criteria. Collection method: clinical testing. Allele origin: germline.

Mayo Clinic Laboratories, Mayo Clinic
Classification: Benign. Last evaluated: 2018-01-09. Review status: criteria provided, single submitter. Criteria: ACMG Guidelines, 2015. Collection method: clinical testing. Allele origin: germline. Observed: 32 variant alleles.

GeneDx
Classification: Benign. Last evaluated: 2016-03-11. Review status: criteria provided, single submitter. Criteria: GeneDx Variant Classification (06012015). Collection method: clinical testing. Allele origin: germline. Affected: yes.
Comment: This variant is considered likely benign or benign based on one or more of the following criteria: it is a conservative change, it occurs at a poorly conserved position in the protein, it is predicted to be benign by multiple in silico algorithms, and/or has population frequency not consistent with disease.

Eurofins Ntd Llc (ga)
Classification: Benign. Last evaluated: 2015-07-06. Review status: criteria provided, single submitter. Criteria: EGL Classification Definitions 2015. Collection method: clinical testing. Allele origin: germline. Observed: 2 variant alleles, 2 heterozygotes.

Breakthrough Genomics
Classification: Benign. Review status: criteria provided, single submitter. Criteria: ACMG Guidelines, 2015. Collection method: not provided. Allele origin: germline. Inheritance: Autosomal recessive inheritance. Affected: yes.

Genetic Services Laboratory, University of Chicago
Classification: Benign. Last evaluated: 2022-06-27. Review status: no assertion criteria provided. Collection method: clinical testing. Allele origin: germline. Affected: no. Not counted in ClinVar's aggregate classification.

Diagnostic Laboratory, Department of Genetics, University Medical Center Groningen
Classification: Likely benign. Review status: no assertion criteria provided. Collection method: clinical testing. Allele origin: germline. Affected: yes. Study: VKGL Data-share Consensus. Not counted in ClinVar's aggregate classification.

Laboratory of Diagnostic Genome Analysis, Leiden University Medical Center (LUMC)
Classification: Likely benign. Review status: no assertion criteria provided. Collection method: clinical testing. Allele origin: germline. Affected: yes. Study: VKGL Data-share Consensus. Not counted in ClinVar's aggregate classification.